The following is an entry in ClinVar:

NM_080680.3(COL11A2):c.328C>T (p.Arg110Ter)

Gene: COL11A2 (collagen type XI alpha 2 chain; minus strand). Cytogenetic location: 6p21.32.
Variant type: single nucleotide variant.
Coding change: c.328C>T on transcript NM_080680.3 (MANE Select); coding-DNA position 328, C replaced by T.
Protein change: p.Arg110Ter; replaces arginine 110 with a stop codon.
Molecular consequence: nonsense.
Genome position (GRCh38, 1-based): chr6:33,189,093, G>A on the plus strand (C>T on the coding strand, the complement: COL11A2 is on the minus strand). VCF-style: chr6-33189093-G-A. GRCh37 (hg19) VCF-style: chr6-33156870-G-A.
Other names: c.328C>T, p.Arg110Ter (NM_001163771.2, NM_080679.3, NM_080681.3); short protein forms R110*.
Identifiers: ClinVar variation 1322103 (VCV001322103.6), dbSNP rs903118000, ClinGen allele CA137054162.

ClinVar aggregate classification (germline): Pathogenic. Review status: criteria provided, multiple submitters, no conflicts (2 of 4 stars). 2 submissions from 2 submitters: Pathogenic (2). Last evaluated 2025-12-15.

Allele frequency attached by ClinVar (database versions not stated): TOPMed 0.00003.

Submissions (2):

Labcorp Genetics (formerly Invitae), Labcorp
Classification: Pathogenic. Last evaluated: 2025-12-15. Review status: criteria provided, single submitter. Criteria: Invitae Variant Classification Sherloc (09022015). Collection method: clinical testing. Allele origin: germline.
Comment: This sequence change creates a premature translational stop signal (p.Arg110*) in the COL11A2 gene. It is expected to result in an absent or disrupted protein product. Loss-of-function variants in COL11A2 are known to be pathogenic (PMID: 10677296, 21204229). This variant is not present in population databases (gnomAD no frequency). This variant has not been reported in the literature in individuals affected with COL11A2-related conditions. ClinVar contains an entry for this variant (Variation ID: 1322103). For these reasons, this variant has been classified as Pathogenic.

Revvity Omics, Revvity
Classification: Pathogenic. Last evaluated: 2020-09-08. Review status: criteria provided, single submitter. Criteria: ACMG Guidelines, 2015. Collection method: clinical testing. Allele origin: germline.

Literature cited by the submitters: PubMed 10677296 (cited by Labcorp Genetics (formerly Invitae), Labcorp); PubMed 21204229 (cited by Labcorp Genetics (formerly Invitae), Labcorp).